The following is an entry in ClinVar:

ClinVar aggregate classification (germline): Uncertain significance (1 of 4 stars; one submission).

Conditions:
Catecholaminergic polymorphic ventricular tachycardia 1. Also called: VENTRICULAR TACHYCARDIA, STRESS-INDUCED POLYMORPHIC 1; VENTRICULAR TACHYCARDIA, CATECHOLAMINERGIC POLYMORPHIC, 1, WITH OR WITHOUT ATRIAL DYSFUNCTION AND/OR DILATED CARDIOMYOPATHY; RYR2-Related Catecholaminergic Polymorphic Ventricular Tachycardia. Identifiers: Orphanet 3286, MedGen C1631597, MONDO:0011484, OMIM 604772.

Submission:

Labcorp Genetics (formerly Invitae), Labcorp
Classification: Uncertain significance for Catecholaminergic polymorphic ventricular tachycardia 1. Last evaluated: 2020-08-27. Review status: criteria provided, single submitter. Criteria: Invitae Variant Classification Sherloc (09022015). Collection method: clinical testing. Allele origin: germline.
Comment: This sequence change replaces lysine with asparagine at codon 2136 of the RYR2 protein (p.Lys2136Asn). The lysine residue is highly conserved and there is a moderate physicochemical difference between lysine and asparagine. This variant is not present in population databases (ExAC no frequency). This variant has not been reported in the literature in individuals with RYR2-related conditions. Advanced modeling of protein sequence and biophysical properties (such as structural, functional, and spatial information, amino acid conservation, physicochemical variation, residue mobility, and thermodynamic stability) performed at Invitae indicates that this missense variant is not expected to disrupt RYR2 protein function. In summary, the available evidence is currently insufficient to determine the role of this variant in disease. Therefore, it has been classified as a Variant of Uncertain Significance.

NM_001035.3(RYR2):c.6408A>C (p.Lys2136Asn)

Gene: RYR2 (ryanodine receptor 2; plus strand). Cytogenetic location: 1q43.
Variant type: single nucleotide variant.
Coding change: c.6408A>C on transcript NM_001035.3 (MANE Select); coding-DNA position 6408, A replaced by C.
Protein change: p.Lys2136Asn; replaces lysine 2136 with asparagine.
Molecular consequence: missense variant.
Genome position (GRCh38, 1-based): chr1:237,628,048, A>C. VCF-style: chr1-237628048-A-C. GRCh37 (hg19) VCF-style: chr1-237791348-A-C.
Other names: short protein forms K2136N.
Identifiers: ClinVar variation 1054127 (VCV001054127.10), dbSNP rs2148667612, ClinGen allele CA345411480.